The following is an entry in ClinVar:

ClinVar aggregate classification (germline): Uncertain significance (1 of 4 stars; one submission).

Conditions:
Susceptibility to respiratory infections associated with CD8alpha chain mutation (IMD116). Also called: IMMUNODEFICIENCY 116; Cd8 deficiency, familial. Identifiers: Orphanet 169085, MedGen C1837065, MONDO:0012161, OMIM 608957.

Submission:

Labcorp Genetics (formerly Invitae), Labcorp
Classification: Uncertain significance for Susceptibility to respiratory infections associated with CD8alpha chain mutation. Last evaluated: 2022-07-11. Review status: criteria provided, single submitter. Criteria: Invitae Variant Classification Sherloc (09022015). Collection method: clinical testing. Allele origin: germline.
Comment: This sequence change replaces serine, which is neutral and polar, with glycine, which is neutral and non-polar, at codon 22 of the CD8A protein (p.Ser22Gly). Information on the frequency of this variant in the gnomAD database is not available, as this variant may be reported differently in the database. This variant has not been reported in the literature in individuals affected with CD8A-related conditions. ClinVar contains an entry for this variant (Variation ID: 846965). Experimental studies and prediction algorithms are not available or were not evaluated, and the functional significance of this variant is currently unknown. In summary, the available evidence is currently insufficient to determine the role of this variant in disease. Therefore, it has been classified as a Variant of Uncertain Significance.

NM_001768.7(CD8A):c.63_64delinsTG (p.Ser22Gly)

Gene: CD8A (CD8 subunit alpha; minus strand). Cytogenetic location: 2p11.2.
Variant type: Indel.
Coding change: c.63_64delinsTG on transcript NM_001768.7 (MANE Select); coding-DNA positions 63 to 64, GA replaced by TG.
Protein change: p.Ser22Gly; replaces serine 22 with glycine.
Molecular consequence: missense variant. On other transcripts: non-coding transcript variant (3).
Genome position (GRCh38, 1-based): chr2:86,790,667-86,790,668, TC replaced by CA on the plus strand (GA replaced by TG on the coding strand, the reverse complement: CD8A is on the minus strand). VCF-style: chr2-86790667-TC-CA. GRCh37 (hg19) VCF-style: chr2-87017790-TC-CA.
Other names: c.63_64delinsTG, p.Ser22Gly (NM_001145873.1, NM_001382698.1, NM_171827.4); short protein forms S22G.
Identifiers: ClinVar variation 846965 (VCV000846965.5), dbSNP rs1673252532, ClinGen allele CA916081309.